The following is an entry in ClinVar:

ClinVar aggregate classification (germline): Uncertain significance (1 of 4 stars; one submission).

Submission:

Labcorp Genetics (formerly Invitae), Labcorp
Classification: Uncertain significance. Last evaluated: 2025-10-15. Review status: criteria provided, single submitter. Criteria: Invitae Variant Classification Sherloc (09022015). Collection method: clinical testing. Allele origin: germline.
Comment: This sequence change falls in intron 5 of the DDX58 gene. It does not directly change the encoded amino acid sequence of the DDX58 protein. It affects a nucleotide within the consensus splice site. This variant is not present in population databases (gnomAD no frequency). This variant has not been reported in the literature in individuals affected with DDX58-related conditions. Variants that disrupt the consensus splice site are a relatively common cause of aberrant splicing (PMID: 17576681, 9536098). Algorithms developed to predict the effect of sequence changes on RNA splicing suggest that this variant is not likely to affect RNA splicing. In summary, the available evidence is currently insufficient to determine the role of this variant in disease. Therefore, it has been classified as a Variant of Uncertain Significance.

Literature cited by the submitters: PubMed 17576681; PubMed 9536098.

NM_014314.4(RIGI):c.691+5C>T

Gene: RIGI (RNA sensor RIG-I; minus strand). Cytogenetic location: 9p21.1.
Variant type: single nucleotide variant.
Coding change: c.691+5C>T on transcript NM_014314.4 (MANE Select); 5 bases into the intron after coding-DNA position 691, C replaced by T.
Molecular consequence: intron variant.
Genome position (GRCh38, 1-based): chr9:32,491,296, G>A on the plus strand (C>T on the coding strand, the complement: RIGI is on the minus strand). VCF-style: chr9-32491296-G-A. GRCh37 (hg19) VCF-style: chr9-32491294-G-A.
Other names: c.82+5C>T (NM_001385912.1); c.676+5C>T (NM_001385913.1); c.691+5C>T (NM_001385907.1, NM_001385909.1); c.250+5C>T (NM_001385914.1, NM_001385910.1).
Identifiers: ClinVar variation 4759917 (VCV004759917.1).
Genomic context (GRCh38, chr9:32,491,296, plus strand): 5'-AACAAGCCCCCACACCAAATACCAGAAGAGCACCATTATGGAAAAGGACAAACAATACCA[G>A]GTACCTGAAGGTGGACATGAATTCTCACTAAGATTCTGGCATTCTGGATCTTCTTGGTAG-3'